The following is an entry in ClinVar:

ClinVar aggregate classification (germline): Likely benign (1 of 4 stars; one submission).

Conditions:
Dilated cardiomyopathy 3B (CMD3B). Also called: CMD3B: DMD-Related Dilated Cardiomyopathy; CARDIOMYOPATHY, DILATED, X-LINKED; DMD-Associated Dilated Cardiomyopathy. Identifiers: Orphanet 154, MedGen C3668940, MONDO:0010542, OMIM 302045.

Allele frequency attached by ClinVar (database versions not stated): gnomAD 0.00201 and 0.00211; 1000 Genomes Project 30x 0.00229; 1000 Genomes Project 0.00238; TOPMed 0.00244.

Submission:

Illumina Laboratory Services, Illumina
Classification: Likely benign for Dilated cardiomyopathy 3B. Last evaluated: 2018-01-13. Review status: criteria provided, single submitter. Criteria: ICSL Variant Classification Criteria 13 December 2019. Collection method: clinical testing. Allele origin: germline.
Comment: This variant was observed in the ICSL laboratory as part of a predisposition screen in an ostensibly healthy population. It had not been previously curated by ICSL or reported in the Human Gene Mutation Database (HGMD: prior to June 1st, 2018), and was therefore a candidate for classification through an automated scoring system. Utilizing variant allele frequency, disease prevalence and penetrance estimates, and inheritance mode, an automated score was calculated to assess if this variant is too frequent to cause the disease. Based on the score and internal cut-off values, a variant classified as likely benign is not then subjected to further curation. The score for this variant resulted in a classification of likely benign for this disease.

NM_004006.3(DMD):c.*855G>A

Gene: DMD (dystrophin; minus strand). Cytogenetic location: Xp21.2.
Variant type: single nucleotide variant.
Coding change: c.*855G>A on transcript NM_004006.3 (MANE Select); 855 bases downstream of the stop codon, G replaced by A.
Molecular consequence: 3 prime UTR variant.
Genome position (GRCh38, 1-based): chrX:31,121,064, C>T on the plus strand (G>A on the coding strand, the complement: DMD is on the minus strand). VCF-style: chrX-31121064-C-T. GRCh37 (hg19) VCF-style: chrX-31139181-C-T.
Other names: c.*855G>A (NM_000109.4, NM_004009.3, NM_004010.3 and 7 more transcripts); c.*769G>A (NM_004016.3, NM_004018.3, NM_004021.3 and 2 more transcripts).
Identifiers: ClinVar variation 913898 (VCV000913898.4), dbSNP rs150236690, ClinGen allele CA328400655.
Genomic context (GRCh38, chrX:31,121,064, plus strand): 5'-ATGAGAAACATCTGGAGCTGTAGACAATGTTTTAGTGTGGTGTAGTTTCCTCCTGGCTTC[C>T]GGCTCCGGGAAAAATCCATTCTAGACCAAGCAGGTAAGCCTGGATGACTGACTAGAAGTA-3'